The following is an entry in ClinVar:

ClinVar aggregate classification (germline): Uncertain significance (1 of 4 stars; one submission).

gnomAD v4.1: 8 of 1,596,318 alleles (0.0005%); highest among the groups gnomAD compares: Middle Eastern, 0.017%; no homozygotes.

Submission:

CeGaT Center for Human Genetics Tuebingen
Classification: Uncertain significance. Last evaluated: 2022-10-01. Review status: criteria provided, single submitter. Criteria: CeGaT Center For Human Genetics Tuebingen Variant Classification Criteria Version 2. Collection method: clinical testing. Allele origin: germline. Affected: yes. Observed: 1 variant allele.
Comment: KDM6B: PM2

NM_001348716.2(KDM6B):c.2635G>A (p.Ala879Thr)

Gene: KDM6B (lysine demethylase 6B; plus strand). Cytogenetic location: 17p13.1.
Variant type: single nucleotide variant.
Coding change: c.2635G>A on transcript NM_001348716.2 (MANE Select); coding-DNA position 2635, G replaced by A.
Protein change: p.Ala879Thr; replaces alanine 879 with threonine.
Molecular consequence: missense variant.
Genome position (GRCh38, 1-based): chr17:7,848,923, G>A. VCF-style: chr17-7848923-G-A. GRCh37 (hg19) VCF-style: chr17-7752241-G-A.
Other names: c.2635G>A, p.Ala879Thr (NM_001080424.2); short protein forms A879T.
Identifiers: ClinVar variation 2647406 (VCV002647406.24), dbSNP rs767623064, ClinGen allele CA397920913.
Genomic context (GRCh38, chr17:7,848,923, plus strand): 5'-GGCTCCCCACAGCCCTCTGCTTCCTCGTCATCTCAGTTCTCTACCTCAGGCGGGCCCTGG[G>A]CCCGGGAGCGCAGGGCGGGCGAAGAGCCAGTCCCGGGCCCCATGACCCCCACCCAACCGC-3'
Protein context (NP_001335645.1, residues 869-889): SQFSTSGGPW[Ala879Thr]RERRAGEEPV